The following is an entry in ClinVar:

ClinVar aggregate classification (germline): Uncertain significance. Review status: criteria provided, multiple submitters, no conflicts (2 of 4 stars). 6 submissions from 5 submitters: Uncertain significance (6). Last evaluated 2026-03-03.

Conditions:
TTC21B-related disorder. Also called: TTC21B-related disorders; TTC21B-related condition.
Jeune thoracic dystrophy. Also called: Jeune syndrome; Short-rib thoracic dysplasia; Infantile thoracic dystrophy; Thoracic pelvic phalangeal dystrophy; Jeune's syndrome; Chondroectodermal dysplasia-like syndrome. Identifiers: Orphanet 474, MedGen C0265275, MONDO:0018770.
Nephronophthisis. Also called: Juvenile Nephronophthisis. Identifiers: Orphanet 655, MedGen C0687120, MONDO:0019005, HP:0000090.
Asphyxiating thoracic dystrophy 4 (SRTD4). Also called: SHORT-RIB THORACIC DYSPLASIA 4 WITH OR WITHOUT POLYDACTYLY; SHORT-RIB THORACIC DYSPLASIA 4. Identifiers: Orphanet 474, MedGen C3151185, MONDO:0013441, OMIM 613819.
Nephronophthisis 12 (NPHP12). Identifiers: Orphanet 655, MedGen C3151186, MONDO:0013442, OMIM 613820.

Allele frequency attached by ClinVar (database versions not stated): ExAC 0.00002; TOPMed 0.00002; gnomAD 0.00003 and 0.00004; gnomAD exomes 0.00003 and 0.00005; 1000 Genomes Project 30x 0.00031; 1000 Genomes Project 0.00040.
gnomAD v4.1: 85 of 1,611,448 alleles (0.0053%); highest among the groups gnomAD compares: Middle Eastern, 0.033%; 1 homozygote.

Submissions (6):

PreventionGenetics, part of Exact Sciences
Classification: Uncertain significance for TTC21B-related condition. Last evaluated: 2026-03-03. Review status: criteria provided, single submitter. Criteria: ACMG Guidelines, 2015. Collection method: clinical testing. Allele origin: germline.
Comment: The TTC21B c.38A>G variant is predicted to result in the amino acid substitution p.Tyr13Cys. To our knowledge, this variant has not been reported in the literature. This variant is reported in 0.010% of alleles in individuals of Ashkenazi Jewish descent in gnomAD. At this time, the clinical significance of this variant is uncertain due to the absence of conclusive functional and genetic evidence.

Labcorp Genetics (formerly Invitae), Labcorp
Classification: Uncertain significance for Jeune thoracic dystrophy; Nephronophthisis. Last evaluated: 2025-11-30. Review status: criteria provided, single submitter. Criteria: Invitae Variant Classification Sherloc (09022015). Collection method: clinical testing. Allele origin: germline.
Comment: This sequence change replaces tyrosine, which is neutral and polar, with cysteine, which is neutral and slightly polar, at codon 13 of the TTC21B protein (p.Tyr13Cys). This variant is present in population databases (rs184586093, gnomAD 0.01%). This variant has not been reported in the literature in individuals affected with TTC21B-related conditions. ClinVar contains an entry for this variant (Variation ID: 331842). Invitae Evidence Modeling of protein sequence and biophysical properties (such as structural, functional, and spatial information, amino acid conservation, physicochemical variation, residue mobility, and thermodynamic stability) has been performed for this missense variant. However, the output from this modeling did not meet the statistical confidence thresholds required to predict the impact of this variant on TTC21B protein function. In summary, the available evidence is currently insufficient to determine the role of this variant in disease. Therefore, it has been classified as a Variant of Uncertain Significance.

Revvity Omics, Revvity
Classification: Uncertain significance. Last evaluated: 2021-06-14. Review status: criteria provided, single submitter. Criteria: ACMG Guidelines, 2015. Collection method: clinical testing. Allele origin: germline.

Department of Pathology and Laboratory Medicine, Sinai Health System
Classification: Uncertain significance for Asphyxiating thoracic dystrophy 4; Nephronophthisis 12. Last evaluated: 2020-08-20. Review status: criteria provided, single submitter. Criteria: ACMG Guidelines, 2015. Collection method: research. Allele origin: germline.

Illumina Laboratory Services, Illumina
Classification: Uncertain significance for Asphyxiating thoracic dystrophy 4. Last evaluated: 2018-01-13. Review status: criteria provided, single submitter. Criteria: ICSL Variant Classification Criteria 13 December 2019. Collection method: clinical testing. Allele origin: germline.

Illumina Laboratory Services, Illumina
Classification: Uncertain significance for Nephronophthisis 12. Last evaluated: 2018-01-13. Review status: criteria provided, single submitter. Criteria: ICSL Variant Classification Criteria 13 December 2019. Collection method: clinical testing. Allele origin: germline.

NM_024753.5(TTC21B):c.38A>G (p.Tyr13Cys)

Gene: TTC21B (tetratricopeptide repeat domain 21B; minus strand). Cytogenetic location: 2q24.3.
Variant type: single nucleotide variant.
Coding change: c.38A>G on transcript NM_024753.5 (MANE Select); coding-DNA position 38, A replaced by G.
Protein change: p.Tyr13Cys; replaces tyrosine 13 with cysteine.
Molecular consequence: missense variant.
Genome position (GRCh38, 1-based): chr2:165,949,708, T>C on the plus strand (A>G on the coding strand, the complement: TTC21B is on the minus strand). VCF-style: chr2-165949708-T-C. GRCh37 (hg19) VCF-style: chr2-166806218-T-C.
Other names: short protein forms Y13C.
Identifiers: ClinVar variation 331842 (VCV000331842.13), dbSNP rs184586093, ClinGen allele CA1942570.